The following is an entry in ClinVar:

NM_032119.4(ADGRV1):c.5665G>A (p.Val1889Ile)

Gene: ADGRV1 (adhesion G protein-coupled receptor V1; plus strand). Cytogenetic location: 5q14.3.
Variant type: single nucleotide variant.
Coding change: c.5665G>A on transcript NM_032119.4 (MANE Select); coding-DNA position 5665, G replaced by A.
Protein change: p.Val1889Ile; replaces valine 1889 with isoleucine.
Molecular consequence: missense variant. On other transcripts: non-coding transcript variant (1).
Genome position (GRCh38, 1-based): chr5:90,683,586, G>A. VCF-style: chr5-90683586-G-A. GRCh37 (hg19) VCF-style: chr5-89979403-G-A.
Other names: short protein forms V1889I.
Identifiers: ClinVar variation 907215 (VCV000907215.10), dbSNP rs760468429, ClinGen allele CA3339645.

ClinVar aggregate classification (germline): Uncertain significance. Review status: criteria provided, multiple submitters, no conflicts (2 of 4 stars). 3 submissions from 3 submitters: Uncertain significance (3). Last evaluated 2023-11-21.

Conditions:
Usher syndrome type 2C. Also called: Usher syndrome, type 2B; USHER SYNDROME, TYPE IIC. Identifiers: Orphanet 231178, Orphanet 886, MedGen C2931213, MONDO:0011558, OMIM 605472.

Allele frequency attached by ClinVar (database versions not stated): gnomAD exomes 0.00002 and 0.00003; ExAC 0.00010.
gnomAD v4.1: 33 of 1,589,090 alleles (0.0021%); highest among the groups gnomAD compares: Non-Finnish European, 0.0028%; no homozygotes.

Submissions (3):

Revvity Omics, Revvity
Classification: Uncertain significance. Last evaluated: 2023-11-21. Review status: criteria provided, single submitter. Criteria: ACMG Guidelines, 2015. Collection method: clinical testing. Allele origin: germline.

Labcorp Genetics (formerly Invitae), Labcorp
Classification: Uncertain significance. Last evaluated: 2022-07-26. Review status: criteria provided, single submitter. Criteria: Invitae Variant Classification Sherloc (09022015). Collection method: clinical testing. Allele origin: germline.
Comment: This sequence change replaces valine, which is neutral and non-polar, with isoleucine, which is neutral and non-polar, at codon 1889 of the ADGRV1 protein (p.Val1889Ile). This variant is present in population databases (rs760468429, gnomAD 0.007%). This variant has not been reported in the literature in individuals affected with ADGRV1-related conditions. ClinVar contains an entry for this variant (Variation ID: 907215). Algorithms developed to predict the effect of missense changes on protein structure and function output the following: SIFT: "Tolerated"; PolyPhen-2: "Benign"; Align-GVGD: "Class C0". The isoleucine amino acid residue is found in multiple mammalian species, which suggests that this missense change does not adversely affect protein function. Algorithms developed to predict the effect of sequence changes on RNA splicing suggest that this variant may disrupt the consensus splice site. In summary, the available evidence is currently insufficient to determine the role of this variant in disease. Therefore, it has been classified as a Variant of Uncertain Significance.

Illumina Laboratory Services, Illumina
Classification: Uncertain significance for Usher syndrome type 2C. Last evaluated: 2018-01-13. Review status: criteria provided, single submitter. Criteria: ICSL Variant Classification Criteria 13 December 2019. Collection method: clinical testing. Allele origin: germline.